The following is an entry in ClinVar:

NM_005359.6(SMAD4):c.905-8T>G

Gene: SMAD4 (SMAD family member 4; plus strand). Cytogenetic location: 18q21.2.
Variant type: single nucleotide variant.
Coding change: c.905-8T>G on transcript NM_005359.6 (MANE Select); 8 bases into the intron before coding-DNA position 905, T replaced by G.
Molecular consequence: intron variant.
Genome position (GRCh38, 1-based): chr18:51,059,858, T>G. VCF-style: chr18-51059858-T-G. GRCh37 (hg19) VCF-style: chr18-48586228-T-G.
Identifiers: ClinVar variation 1101334 (VCV001101334.11), dbSNP rs1249416688, ClinGen allele CA2302977969.

ClinVar aggregate classification (germline): Conflicting classifications of pathogenicity. Review status: criteria provided, conflicting classifications (1 of 4 stars). 2 submissions from 2 submitters: Uncertain significance (1); Likely benign (1). Last evaluated 2024-12-18.

Conditions:
Juvenile polyposis syndrome (JPS). Identifiers: Orphanet 2929, MedGen C0345893, MONDO:0017380, OMIM 174900.
Hereditary cancer-predisposing syndrome. Also called: Neoplastic Syndromes, Hereditary; Hereditary neoplastic syndrome; Hereditary Cancer Syndrome; Tumor predisposition. Identifiers: Orphanet 140162, MedGen C0027672, MeSH D009386, MONDO:0015356.

Allele frequency attached by ClinVar (database versions not stated): TOPMed below 0.00001.
gnomAD v4.1: 3 of 1,608,850 alleles (0.00019%); highest among the groups gnomAD compares: Non-Finnish European, 0.00017%; no homozygotes.

Submissions (2):

Labcorp Genetics (formerly Invitae), Labcorp
Classification: Likely benign for Juvenile polyposis syndrome. Last evaluated: 2024-12-18. Review status: criteria provided, single submitter. Criteria: Invitae Variant Classification Sherloc (09022015). Collection method: clinical testing. Allele origin: germline.

Color Diagnostics, LLC DBA Color Health
Classification: Uncertain significance for Hereditary cancer-predisposing syndrome. Last evaluated: 2023-04-11. Review status: criteria provided, single submitter. Criteria: ACMG Guidelines, 2015. Collection method: clinical testing. Allele origin: germline.
Comment: This variant causes a T to G nucleotide substitution at the -8 position of intron 7 of the SMAD4 gene. To our knowledge, functional studies have not been reported for this variant. This variant has not been reported in individuals affected with SMAD4-related disorders in the literature. This variant has not been identified in the general population by the Genome Aggregation Database (gnomAD). The available evidence is insufficient to determine the role of this variant in disease conclusively. Therefore, this variant is classified as a Variant of Uncertain Significance.